The following is an entry in ClinVar:

ClinVar aggregate classification (germline): Uncertain significance (1 of 4 stars; one submission).

Allele frequency attached by ClinVar (database versions not stated): gnomAD exomes below 0.00001.

Submission:

Labcorp Genetics (formerly Invitae), Labcorp
Classification: Uncertain significance. Last evaluated: 2023-11-24. Review status: criteria provided, single submitter. Criteria: Invitae Variant Classification Sherloc (09022015). Collection method: clinical testing. Allele origin: germline.
Comment: This sequence change replaces methionine, which is neutral and non-polar, with isoleucine, which is neutral and non-polar, at codon 728 of the DLC1 protein (p.Met728Ile). This variant is not present in population databases (gnomAD no frequency). This variant has not been reported in the literature in individuals affected with DLC1-related conditions. An algorithm developed to predict the effect of missense changes on protein structure and function (PolyPhen-2) suggests that this variant is likely to be tolerated. In summary, the available evidence is currently insufficient to determine the role of this variant in disease. Therefore, it has been classified as a Variant of Uncertain Significance.

NM_182643.3(DLC1):c.2184G>A (p.Met728Ile)

Gene: DLC1 (DLC1 Rho GTPase activating protein; minus strand). Cytogenetic location: 8p22.
Variant type: single nucleotide variant.
Coding change: c.2184G>A on transcript NM_182643.3 (MANE Select); coding-DNA position 2184, G replaced by A.
Protein change: p.Met728Ile; replaces methionine 728 with isoleucine.
Molecular consequence: missense variant.
Genome position (GRCh38, 1-based): chr8:13,100,153, C>T on the plus strand (G>A on the coding strand, the complement: DLC1 is on the minus strand). VCF-style: chr8-13100153-C-T. GRCh37 (hg19) VCF-style: chr8-12957662-C-T.
Other names: c.651G>A, p.Met217Ile (NM_001164271.2, NM_001348082.2, NM_001348083.1 and 6 more transcripts); c.975G>A, p.Met325Ile (NM_001316668.2, NM_001413129.1); c.2184G>A, p.Met728Ile (NM_001348081.2, NM_001413124.1); c.966G>A, p.Met322Ile (NM_001413130.1); c.624G>A, p.Met208Ile (NM_001413131.1, NM_001413137.1); c.1110G>A, p.Met370Ile (NM_001413132.1); c.873G>A, p.Met291Ile (NM_001413135.1, NM_001413136.1, NM_001413139.1 and 1 more transcripts); c.1008G>A, p.Met336Ile (NM_001413140.1); short protein forms M728I, M217I, M291I, M322I, M325I, M370I, M208I, M336I.
Identifiers: ClinVar variation 2771789 (VCV002771789.3), dbSNP rs766671618, ClinGen allele CA370346502.